The following is an entry in ClinVar:

NM_000135.4(FANCA):c.3412C>G (p.Leu1138Val)

Gene: FANCA (FA complementation group A; minus strand). Cytogenetic location: 16q24.3.
Variant type: single nucleotide variant.
Coding change: c.3412C>G on transcript NM_000135.4 (MANE Select); coding-DNA position 3412, C replaced by G.
Protein change: p.Leu1138Val; replaces leucine 1138 with valine.
Molecular consequence: missense variant.
Genome position (GRCh38, 1-based): chr16:89,746,685, G>C on the plus strand (C>G on the coding strand, the complement: FANCA is on the minus strand). VCF-style: chr16-89746685-G-C. GRCh37 (hg19) VCF-style: chr16-89813093-G-C.
Other names: c.3412C>G, p.Leu1138Val (NM_001286167.3); c.3412C>G (NM_000135.3, LRG_495t1); short protein forms L1138V.
Identifiers: ClinVar variation 134265 (VCV000134265.66), dbSNP rs138417003, ClinGen allele CA159304.

ClinVar aggregate classification (germline): Benign/Likely benign. Review status: criteria provided, multiple submitters, no conflicts (2 of 4 stars). 17 submissions from 17 submitters: Benign (5); Likely benign (8). 4 of the submissions do not count toward it. Last evaluated 2026-02-02.

Conditions:
Fanconi anemia (FA). Also called: Fanconi's anemia. Identifiers: Orphanet 84, MedGen C0015625, MeSH D005199, MONDO:0019391.
Fanconi anemia complementation group A (FANCA). Also called: Fanconi anemia, group A; FANCA-Related Fanconi Anemia. Identifiers: Orphanet 84, MedGen C3469521, MONDO:0009215, OMIM 227650.

Allele frequency attached by ClinVar (database versions not stated): TOPMed 0.00029; ESP Exome Variant Server 0.00031; gnomAD 0.00041; gnomAD exomes 0.00150; ExAC 0.00153; 1000 Genomes Project 30x 0.00156; 1000 Genomes Project 0.00180.
gnomAD v4.1: 1,323 of 1,614,004 alleles (0.082%); highest among the groups gnomAD compares: South Asian, 1.1%; 15 homozygotes.

Submissions (17):

Labcorp Genetics (formerly Invitae), Labcorp
Classification: Benign for Fanconi anemia. Last evaluated: 2026-02-02. Review status: criteria provided, single submitter. Criteria: Invitae Variant Classification Sherloc (09022015). Collection method: clinical testing. Allele origin: germline.

Dasa
Classification: Benign. Last evaluated: 2025-12-23. Review status: criteria provided, single submitter. Criteria: DASA Assertion Criteria. Collection method: clinical testing. Allele origin: germline.
Comment: NM_000135.4(FANCA):c.3412C>G (p.Leu1138Val) is a missense variant that results in the substitution of leucine with valine. Population frequency is inconsistent with a disease-causing role for this variant, and observations in unaffected individuals support a benign interpretation. Therefore, based on the currently available evidence, this variant is classified as benign.

Quest Diagnostics Nichols Institute San Juan Capistrano
Classification: Benign. Last evaluated: 2025-10-27. Review status: criteria provided, single submitter. Criteria: Quest Diagnostics criteria. Collection method: clinical testing. Allele origin: unknown.

CeGaT Center for Human Genetics Tuebingen
Classification: Benign. Last evaluated: 2025-10-01. Review status: criteria provided, single submitter. Criteria: CeGaT Center For Human Genetics Tuebingen Variant Classification Criteria Version 2. Collection method: clinical testing. Allele origin: germline. Affected: yes. Observed: 11 variant alleles.
Comment: FANCA: BS1, BS2

Genomic Medicine Center of Excellence, King Faisal Specialist Hospital and Research Centre
Classification: Likely benign. Last evaluated: 2025-08-18. Review status: criteria provided, single submitter. Criteria: ACMG Guidelines, 2015. Collection method: clinical testing. Allele origin: germline.

Blueprint Genetics
Classification: Likely benign. Last evaluated: 2024-11-25. Review status: criteria provided, single submitter. Criteria: ACMG Guidelines, 2015. Collection method: clinical testing. Allele origin: germline.

ARUP Laboratories, Molecular Genetics and Genomics, ARUP Laboratories
Classification: Likely benign for Fanconi anemia complementation group A. Last evaluated: 2024-08-26. Review status: criteria provided, single submitter. Criteria: ARUP Molecular Germline Variant Investigation Process 2024. Collection method: clinical testing. Allele origin: germline.

Fulgent Genetics
Classification: Likely benign for Fanconi anemia complementation group A. Last evaluated: 2022-05-04. Review status: criteria provided, single submitter. Criteria: ACMG Guidelines, 2015. Collection method: clinical testing. Allele origin: unknown.

Women's Health and Genetics/Laboratory Corporation of America, LabCorp
Classification: Benign. Last evaluated: 2022-03-07. Review status: criteria provided, single submitter. Criteria: LabCorp Variant Classification Summary - May 2015. Collection method: clinical testing. Allele origin: germline.
Comment: Variant summary: FANCA c.3412C>G (p.Leu1138Val) results in a conservative amino acid change in the encoded protein sequence. Three of five in-silico tools predict a benign effect of the variant on protein function. The variant allele was found at a frequency of 0.0015 in 251228 control chromosomes, predominantly at a frequency of 0.0093 within the South Asian subpopulation in the gnomAD database, including 4 homozygotes. The observed variant frequency within South Asian control individuals in the gnomAD database is approximately 4 fold of the estimated maximal expected allele frequency for a pathogenic variant in FANCA causing Fanconi Anemia phenotype (0.0022), strongly suggesting that the variant is a benign polymorphism found primarily in populations of South Asian origin. Six clinical diagnostic laboratories have submitted clinical-significance assessments for this variant to ClinVar after 2014 without evidence for independent evaluation. All laboratories classified the variant as benign/likely benign. Based on the evidence outlined above, the variant was classified as benign.

Sema4
Classification: Likely benign for Fanconi anemia. Last evaluated: 2021-07-01. Review status: criteria provided, single submitter. Criteria: Sema4 Curation Guidelines. Collection method: curation. Allele origin: germline.

Genetic Services Laboratory, University of Chicago
Classification: Likely benign. Last evaluated: 2018-02-14. Review status: criteria provided, single submitter. Criteria: ACMG Guidelines, 2015. Collection method: clinical testing. Allele origin: germline. Affected: no.

Illumina Laboratory Services, Illumina
Classification: Likely benign for Fanconi anemia complementation group A. Last evaluated: 2018-01-13. Review status: criteria provided, single submitter. Criteria: ICSL Variant Classification Criteria 13 December 2019. Collection method: clinical testing. Allele origin: germline.
Comment: This variant was observed in the ICSL laboratory as part of a predisposition screen in an ostensibly healthy population. It had not been previously curated by ICSL or reported in the Human Gene Mutation Database (HGMD: prior to June 1st, 2018), and was therefore a candidate for classification through an automated scoring system. Utilizing variant allele frequency, disease prevalence and penetrance estimates, and inheritance mode, an automated score was calculated to assess if this variant is too frequent to cause the disease. Based on the score and internal cut-off values, a variant classified as likely benign is not then subjected to further curation. The score for this variant resulted in a classification of likely benign for this disease.

Breakthrough Genomics
Classification: Likely benign. Review status: criteria provided, single submitter. Criteria: ACMG Guidelines, 2015. Collection method: not provided. Allele origin: germline. Inheritance: Autosomal recessive inheritance. Affected: yes.

Natera, Inc.
Classification: Benign for Fanconi anemia, group A. Last evaluated: 2020-09-16. Review status: no assertion criteria provided. Collection method: clinical testing. Allele origin: germline. Not counted in ClinVar's aggregate classification.

Counsyl
Classification: Likely benign for Fanconi anemia complementation group A. Last evaluated: 2018-05-24. Review status: no assertion criteria provided. Collection method: clinical testing. Allele origin: unknown. Not counted in ClinVar's aggregate classification.

ITMI
No classification provided. Condition: AllHighlyPenetrant. Last evaluated: 2013-09-19. Review status: no classification provided. Collection method: reference population. Allele origin: germline. Not counted in ClinVar's aggregate classification.
Comment: Please see associated publication for description of ethnicities

Department of Pathology and Laboratory Medicine, Sinai Health System
Classification: Benign. Review status: no assertion criteria provided. Collection method: clinical testing. Allele origin: unknown. Affected: yes. Study: The Canadian Open Genetics Repository (COGR). Not counted in ClinVar's aggregate classification.
Comment: The FANCA p.Leu1138Val variant was identified in 1 of 90 proband chromosomes (frequency: 0.011) from individuals with breast cancer (Jalkh_2017_PMID:28202063). The variant was identified in dbSNP (ID: rs138417003) and ClinVar (classified as benign by Invitae, as likely benign by Counsyl and as uncertain significance by Illumina). The variant was identified in control databases in 390 of 282634 chromosomes (5 homozygous) at a frequency of 0.00138 increasing the likelihood this could be a low frequency benign variant (Genome Aggregation Database March 6, 2019, v2.1.1). The variant was observed in the following populations: South Asian in 284 of 30614 chromosomes (freq: 0.009277), Other in 13 of 7222 chromosomes (freq: 0.0018), Latino in 30 of 35420 chromosomes (freq: 0.000847), African in 18 of 24960 chromosomes (freq: 0.000721) and European (non-Finnish) in 45 of 129076 chromosomes (freq: 0.000349), but was not observed in the Ashkenazi Jewish, East Asian, or European (Finnish) populations. The p.Leu1138 residue is conserved in mammals but not in more distantly related organisms however four out of five computational analyses (PolyPhen-2, SIFT, AlignGVGD, BLOSUM, MutationTaster) do not suggest a high likelihood of impact to the protein; this information is not predictive enough to rule out pathogenicity. The variant occurs outside of the splicing consensus sequence and in silico or computational prediction software programs (SpliceSiteFinder, MaxEntScan, NNSPLICE, GeneSplicer) do not predict a difference in splicing. In summary, based on the above information this variant meets our laboratory's criteria to be classified as benign.

Literature cited by the submitters: PubMed 28202063 (cited by Quest Diagnostics Nichols Institute San Juan Capistrano and Sema4); PubMed 26689913 (cited by Quest Diagnostics Nichols Institute San Juan Capistrano and Counsyl); PubMed 24728327 (cited by Quest Diagnostics Nichols Institute San Juan Capistrano and ITMI).